The following is an entry in ClinVar:

NM_000402.4(G6PD):c.1246A>G (p.Lys416Glu)

Gene: G6PD (glucose-6-phosphate dehydrogenase; minus strand). Cytogenetic location: Xq28.
Variant type: single nucleotide variant.
Coding change: c.1246A>G on transcript NM_000402.4; coding-DNA position 1246, A replaced by G.
Protein change: p.Lys416Glu; replaces lysine 416 with glutamic acid.
Molecular consequence: missense variant.
Genome position (GRCh38, 1-based): chrX:154,532,698, T>C on the plus strand (A>G on the coding strand, the complement: G6PD is on the minus strand). VCF-style: chrX-154532698-T-C. GRCh37 (hg19) VCF-style: chrX-153760913-T-C.
Other names: G6PD, LYS386GLU; G6PD Iowa; G6PD Iowa City; G6PD Springfield; G6PD Walter Reed; c.1156A>G (NM_001042351.2, NM_001042351.1); c.1156A>G, p.Lys386Glu (NM_001042351.3, NM_001360016.2); short protein forms K386E, K416E.
Identifiers: ClinVar variation 10375 (VCV000010375.22), dbSNP rs137852320, ClinGen allele CA120968.

ClinVar aggregate classification (germline): Pathogenic/Likely pathogenic. Review status: criteria provided, multiple submitters, no conflicts (2 of 4 stars). 10 submissions from 7 submitters: Pathogenic (4); Likely pathogenic (1). 5 of the submissions do not count toward it. Last evaluated 2025-10-14.

Conditions:
G6PD-related disorder. Also called: G6PD-related condition.
G6PD IOWA.
G6PD IOWA CITY.
G6PD SPRINGFIELD.
Anemia, nonspherocytic hemolytic, due to G6PD deficiency (CNSHA1). Also called: ANEMIA, CONGENITAL, NONSPHEROCYTIC HEMOLYTIC, 1; Hemolytic anemia due to G6PD deficiency; Class I glucose-6-phosphate dehydrogenase deficiency; Favism, susceptibility to. Identifiers: Orphanet 466026, MedGen C2720289, MONDO:0010480, OMIM 300908.
G6PD WALTER REED.

Submissions (10):

Labcorp Genetics (formerly Invitae), Labcorp
Classification: Pathogenic for Anemia, nonspherocytic hemolytic, due to G6PD deficiency. Last evaluated: 2025-10-14. Review status: criteria provided, single submitter. Criteria: Invitae Variant Classification Sherloc (09022015). Collection method: clinical testing. Allele origin: germline.
Comment: This sequence change replaces lysine, which is basic and polar, with glutamic acid, which is acidic and polar, at codon 386 of the G6PD protein (p.Lys386Glu). This variant is not present in population databases (gnomAD no frequency). This missense change has been observed in individual(s) with glucose-6-phosphate dehydrogenase deficiency (PMID: 2602358; internal data). This variant is also known as G-6-PD Walter Reed. ClinVar contains an entry for this variant (Variation ID: 10375). Invitae Evidence Modeling of protein sequence and biophysical properties (such as structural, functional, and spatial information, amino acid conservation, physicochemical variation, residue mobility, and thermodynamic stability) indicates that this missense variant is expected to disrupt G6PD protein function with a positive predictive value of 95%. For these reasons, this variant has been classified as Pathogenic.

ARUP Laboratories, Molecular Genetics and Genomics, ARUP Laboratories
Classification: Pathogenic. Last evaluated: 2024-04-22. Review status: criteria provided, single submitter. Criteria: ARUP Molecular Germline Variant Investigation Process 2024. Collection method: clinical testing. Allele origin: germline.
Comment: The G6PD c.1156A>G; p.Lys386Glu variant (also known as G6PD Iowa, G6PD Iowa City, G6PD Springfield, G6PD Walter Reed) (rs137852320) is classified as a class I variant associated with severe G6PD enzyme deficiency and chronic non-spherocytic hemolytic anemia, and is reported in the literature in several affected individuals (Beutler 1986, Hirono 1989, Mason 1995, Vulliamy 1998). This variant is reported in ClinVar (Variation ID: 10375). This variant is also absent from the Genome Aggregation Database (v2.1.1), indicating it is not a common polymorphism. Functional analysis of the variant protein shows nearly abolished G6PD enzyme activity compared to wild type (Park 2005). Computational analyses predict that this variant is deleterious (REVEL: 0.701). Based on available information, this variant is considered to be pathogenic. References: Beutler E et al. G-6-PD Walter Reed: possible insight into "structural" NADP in G-6-PD. Am J Hematol. 1986 Sep;23(1):25-30. PMID: 3740052. Hirono A et al. Identification of the binding domain for NADP+ of human glucose-6-phosphate dehydrogenase by sequence analysis of mutants. Proc Natl Acad Sci U S A. 1989 Dec;86(24):10015-7. PMID: 2602358. Mason PJ et al. New glucose-6-phosphate dehydrogenase mutations associated with chronic anemia. Blood. 1995 Mar 1;85(5):1377-80. PMID: 7858267. Park J et al. Overexpression of glucose-6-phosphate dehydrogenase is associated with lipid dysregulation and insulin resistance in obesity. Mol Cell Biol. 2005 Jun;25(12):5146-57. PMID: 15923630. Vulliamy TJ et al. Clinical and haematological consequences of recurrent G6PD mutations and a single new mutation causing chronic nonspherocytic haemolytic anaemia. Br J Haematol. 1998 Jun;101(4):670-5. PMID: 9674740.

Revvity Omics, Revvity
Classification: Likely pathogenic for Anemia, nonspherocytic hemolytic, due to G6PD deficiency. Last evaluated: 2024-01-05. Review status: criteria provided, single submitter. Criteria: ACMG Guidelines, 2015. Collection method: clinical testing. Allele origin: germline.

Dunham Lab, University of Washington
Classification: Pathogenic for Anemia, nonspherocytic hemolytic, due to G6PD deficiency. Last evaluated: 2022-08-12. Review status: criteria provided, single submitter. Criteria: Bayesian ACMG Guidelines, 2018. Collection method: curation. Allele origin: maternal. Affected: yes.
Comment: Variant found in unrelated hemizygotes with deficiency and CNSHA (PS4_M, PP4). In one family, hemizygote and heterozygous maternal grandmother have history of hemolytic anemia (PP1). Decreased activity in red blood cells (1-13%) (PS3). Within dimer interface (PM1). Not found in gnomAD (PM2). Reported as pathogenic by multiple clinical testing groups (PP5). Post_P 0.999 (odds of pathogenicity 13661, Prior_P 0.1).

Eurofins Ntd Llc (ga)
Classification: Pathogenic. Last evaluated: 2016-01-04. Review status: criteria provided, single submitter. Criteria: EGL Classification Definitions 2015. Collection method: clinical testing. Allele origin: germline. Observed: 4 variant alleles, 1 heterozygote, 3 hemizygotes.

PreventionGenetics, part of Exact Sciences
Classification: Pathogenic for G6PD-related condition. Last evaluated: 2024-03-13. Review status: no assertion criteria provided. Collection method: clinical testing. Allele origin: germline. Not counted in ClinVar's aggregate classification.
Comment: The G6PD c.1156A>G variant is predicted to result in the amino acid substitution p.Lys386Glu. This variant has been reported to be pathogenic for glucose-6-phosphate dehydrogenase deficiency likely due to altered lysine acetylation (Hirono et al. 1989. PubMed ID: 2602358; Suo et al. 2013. PubMed ID: 23298314). This variant has not been reported in a large population database, indicating this variant is rare. This variant is interpreted as pathogenic.

OMIM
Classification: other for G6PD IOWA. Last evaluated: 2017-05-24. Review status: no assertion criteria provided. Collection method: literature only. Allele origin: germline. Not counted in ClinVar's aggregate classification.

OMIM
Classification: other for G6PD IOWA CITY. Last evaluated: 2017-05-24. Review status: no assertion criteria provided. Collection method: literature only. Allele origin: germline. Not counted in ClinVar's aggregate classification.

OMIM
Classification: other for G6PD SPRINGFIELD. Last evaluated: 2017-05-24. Review status: no assertion criteria provided. Collection method: literature only. Allele origin: germline. Not counted in ClinVar's aggregate classification.

OMIM
Classification: other for G6PD WALTER REED. Last evaluated: 2017-05-24. Review status: no assertion criteria provided. Collection method: literature only. Allele origin: germline. Not counted in ClinVar's aggregate classification.

Literature cited by the submitters: PubMed 2602358 (cited by 3 submitters); PubMed 7858267 (cited by Dunham Lab, University of Washington); PubMed 3740052 (cited by Dunham Lab, University of Washington); PubMed 9674740 (cited by Dunham Lab, University of Washington); PubMed 31294066 (cited by Dunham Lab, University of Washington); PubMed 1999339 (cited by OMIM).